The following is an entry in ClinVar:

ClinVar aggregate classification (germline): Likely benign. Review status: criteria provided, single submitter (1 of 4 stars). 2 submissions from 2 submitters: Likely benign (1). 1 of the submissions does not count toward it. Last evaluated 2024-10-17.

Conditions:
CPE-related disorder. Also called: CPE-related condition.

gnomAD v4.1: 120 of 1,613,922 alleles (0.0074%); highest among the groups gnomAD compares: Admixed American, 0.018%; no homozygotes.

Submissions (2):

Blueprint Genetics
Classification: Likely benign. Last evaluated: 2024-10-17. Review status: criteria provided, single submitter. Criteria: ACMG Guidelines, 2015. Collection method: clinical testing. Allele origin: germline.

PreventionGenetics, part of Exact Sciences
Classification: Likely benign for CPE-related condition. Last evaluated: 2019-12-16. Review status: no assertion criteria provided. Collection method: clinical testing. Allele origin: germline. Not counted in ClinVar's aggregate classification.
Comment: This variant is classified as likely benign based on ACMG/AMP sequence variant interpretation guidelines (Richards et al. 2015 PMID: 25741868, with internal and published modifications).

NM_001873.4(CPE):c.1020C>T (p.Thr340=)

Gene: CPE (carboxypeptidase E; plus strand). Cytogenetic location: 4q32.3.
Variant type: single nucleotide variant.
Coding change: c.1020C>T on transcript NM_001873.4 (MANE Select); coding-DNA position 1020, C replaced by T.
Protein change: p.Thr340=; no amino-acid change (threonine 340 retained).
Molecular consequence: synonymous variant.
Genome position (GRCh38, 1-based): chr4:165,487,484, C>T. VCF-style: chr4-165487484-C-T. GRCh37 (hg19) VCF-style: chr4-166408636-C-T.
Identifiers: ClinVar variation 3356419 (VCV003356419.2).